The following is an entry in ClinVar:

ClinVar aggregate classification (germline): Uncertain significance (1 of 4 stars; one submission).

Submission:

Labcorp Genetics (formerly Invitae), Labcorp
Classification: Uncertain significance. Last evaluated: 2024-12-02. Review status: criteria provided, single submitter. Criteria: Invitae Variant Classification Sherloc (09022015). Collection method: clinical testing. Allele origin: germline.
Comment: This sequence change replaces glutamic acid, which is acidic and polar, with lysine, which is basic and polar, at codon 929 of the TLR7 protein (p.Glu929Lys). The frequency data for this variant in the population databases is considered unreliable, as metrics indicate poor data quality at this position in the gnomAD database. This variant has not been reported in the literature in individuals affected with TLR7-related conditions. ClinVar contains an entry for this variant (Variation ID: 2095230). An algorithm developed to predict the effect of missense changes on protein structure and function (PolyPhen-2) suggests that this variant is likely to be disruptive. In summary, the available evidence is currently insufficient to determine the role of this variant in disease. Therefore, it has been classified as a Variant of Uncertain Significance.

NM_016562.4(TLR7):c.2785G>A (p.Glu929Lys)

Gene: TLR7 (toll like receptor 7; plus strand). Cytogenetic location: Xp22.2.
Variant type: single nucleotide variant.
Coding change: c.2785G>A on transcript NM_016562.4 (MANE Select); coding-DNA position 2785, G replaced by A.
Protein change: p.Glu929Lys; replaces glutamic acid 929 with lysine.
Molecular consequence: missense variant.
Genome position (GRCh38, 1-based): chrX:12,888,293, G>A. VCF-style: chrX-12888293-G-A. GRCh37 (hg19) VCF-style: chrX-12906412-G-A.
Other names: short protein forms E929K.
Identifiers: ClinVar variation 2095230 (VCV002095230.4), dbSNP rs202231595, ClinGen allele CA412411552.